The following is an entry in ClinVar:

NM_032122.5(DTNBP1):c.286G>A (p.Glu96Lys)

Gene: DTNBP1 (dystrobrevin binding protein 1; minus strand). Cytogenetic location: 6p22.3.
Variant type: single nucleotide variant.
Coding change: c.286G>A on transcript NM_032122.5 (MANE Select); coding-DNA position 286, G replaced by A.
Protein change: p.Glu96Lys; replaces glutamic acid 96 with lysine.
Molecular consequence: missense variant. On other transcripts: non-coding transcript variant (1).
Genome position (GRCh38, 1-based): chr6:15,627,412, C>T on the plus strand (G>A on the coding strand, the complement: DTNBP1 is on the minus strand). VCF-style: chr6-15627412-C-T. GRCh37 (hg19) VCF-style: chr6-15627643-C-T.
Other names: c.43G>A, p.Glu15Lys (NM_001271667.2, NM_183041.1); c.235G>A, p.Glu79Lys (NM_001271668.2); c.181G>A, p.Glu61Lys (NM_001271669.2); c.286G>A, p.Glu96Lys (NM_183040.2); short protein forms E15K, E61K, E79K, E96K.
Identifiers: ClinVar variation 2181552 (VCV002181552.4), dbSNP rs1415761555, ClinGen allele CA362868978.

ClinVar aggregate classification (germline): Uncertain significance (1 of 4 stars; one submission).

Allele frequency attached by ClinVar (database versions not stated): TOPMed below 0.00001.

Submission:

Labcorp Genetics (formerly Invitae), Labcorp
Classification: Uncertain significance. Last evaluated: 2022-03-15. Review status: criteria provided, single submitter. Criteria: Invitae Variant Classification Sherloc (09022015). Collection method: clinical testing. Allele origin: germline.
Comment: This variant has not been reported in the literature in individuals affected with DTNBP1-related conditions. In summary, the available evidence is currently insufficient to determine the role of this variant in disease. Therefore, it has been classified as a Variant of Uncertain Significance. Algorithms developed to predict the effect of missense changes on protein structure and function are either unavailable or do not agree on the potential impact of this missense change (SIFT: "Deleterious"; PolyPhen-2: "Benign"; Align-GVGD: "Class C0"). This variant is present in population databases (no rsID available, gnomAD 0.01%). This sequence change replaces glutamic acid, which is acidic and polar, with lysine, which is basic and polar, at codon 96 of the DTNBP1 protein (p.Glu96Lys).